The following is an entry in ClinVar:

ClinVar aggregate classification (germline): Uncertain significance. Review status: criteria provided, multiple submitters, no conflicts (2 of 4 stars). 2 submissions from 2 submitters: Uncertain significance (2). Last evaluated 2022-06-29.

Conditions:
Familial adenomatous polyposis 1 (FAP1). Also called: FAMILIAL ADENOMATOUS POLYPOSIS 1, ATTENUATED; POLYPOSIS, ADENOMATOUS INTESTINAL. Identifiers: MedGen C2713442, MONDO:0021056, OMIM 175100. Disease mechanism: loss of function.

Allele frequency attached by ClinVar (database versions not stated): gnomAD exomes below 0.00001.
gnomAD v4.1: 1 of 1,613,768 alleles (0.000062%); highest among the groups gnomAD compares: African/African-American, 0.0013%; no homozygotes.

Submissions (2):

Labcorp Genetics (formerly Invitae), Labcorp
Classification: Uncertain significance for Familial adenomatous polyposis 1. Last evaluated: 2022-06-29. Review status: criteria provided, single submitter. Criteria: Invitae Variant Classification Sherloc (09022015). Collection method: clinical testing. Allele origin: germline.
Comment: In summary, the available evidence is currently insufficient to determine the role of this variant in disease. Therefore, it has been classified as a Variant of Uncertain Significance. Algorithms developed to predict the effect of missense changes on protein structure and function (SIFT, PolyPhen-2, Align-GVGD) all suggest that this variant is likely to be tolerated. ClinVar contains an entry for this variant (Variation ID: 42246). This variant has not been reported in the literature in individuals affected with APC-related conditions. This variant is not present in population databases (gnomAD no frequency). This sequence change replaces arginine, which is basic and polar, with threonine, which is neutral and polar, at codon 1882 of the APC protein (p.Arg1882Thr).

Laboratory for Molecular Medicine, Mass General Brigham Personalized Medicine
Classification: Uncertain significance. Last evaluated: 2012-04-24. Review status: criteria provided, single submitter. Criteria: LMM Criteria. Collection method: clinical testing. Allele origin: germline. Observed: 1 variant allele.
Comment: The Arg1882Thr variant (APC) has been reported in 0.5% (1/198) of chromosomes fr om a broad, though clinically and racially unspecified population and in 2.1% (1 /48) of African American chromosomes (dbSNP rs34157245). This cohort is too smal l to confidently exclude a disease causing role. Computational analyses (biochem ical amino acid properties, conservation, AlignGVGD, PolyPhen2, and SIFT) do not provide strong support for or against an impact to the protein. In summary, ad ditional studies are needed to fully assess the clinical significance of this va riant.

NM_000038.6(APC):c.5645G>C (p.Arg1882Thr)

Gene: APC (APC regulator of Wnt signaling pathway; plus strand). Cytogenetic location: 5q22.2.
Variant type: single nucleotide variant.
Coding change: c.5645G>C on transcript NM_000038.6 (MANE Select); coding-DNA position 5645, G replaced by C.
Protein change: p.Arg1882Thr; replaces arginine 1882 with threonine.
Molecular consequence: missense variant.
Genome position (GRCh38, 1-based): chr5:112,841,239, G>C. VCF-style: chr5-112841239-G-C. GRCh37 (hg19) VCF-style: chr5-112176936-G-C.
Other names: c.5645G>C, p.Arg1882Thr (NM_001127510.3, NM_001354895.2); c.5591G>C, p.Arg1864Thr (NM_001127511.3); c.5699G>C, p.Arg1900Thr (NM_001354896.2); c.5675G>C, p.Arg1892Thr (NM_001354897.2); c.5570G>C, p.Arg1857Thr (NM_001354898.2); c.5561G>C, p.Arg1854Thr (NM_001354899.2); c.5522G>C, p.Arg1841Thr (NM_001354900.2); c.5468G>C, p.Arg1823Thr (NM_001354901.2); and 5 more; short protein forms R1882T, R1864T, R1781T, R1722T, R1823T, R1841T, R1854T, R1857T.
Identifiers: ClinVar variation 42246 (VCV000042246.14), dbSNP rs34157245, ClinGen allele CA010556.